The following is an entry in ClinVar:

NM_002382.5(MAX):c.404A>G (p.Asp135Gly)

Gene: MAX (MYC associated transcriptional regulator X; minus strand). Cytogenetic location: 14q23.3.
Variant type: single nucleotide variant.
Coding change: c.404A>G on transcript NM_002382.5 (MANE Select); coding-DNA position 404, A replaced by G.
Protein change: p.Asp135Gly; replaces aspartic acid 135 with glycine.
Molecular consequence: missense variant. On other transcripts: 3 prime UTR variant (12), non-coding transcript variant (7), intron variant (2).
Genome position (GRCh38, 1-based): chr14:65,076,555, T>C on the plus strand (A>G on the coding strand, the complement: MAX is on the minus strand). VCF-style: chr14-65076555-T-C. GRCh37 (hg19) VCF-style: chr14-65543273-T-C.
Other names: c.215A>G, p.Asp72Gly (NM_001320415.2, NM_001407105.1, NM_001407106.1 and 1 more transcripts); c.404A>G, p.Asp135Gly (NM_001407094.1); c.377A>G, p.Asp126Gly (NM_001407095.1, NM_145112.3); c.*177A>G (NM_001407096.1, NM_001407099.1, NM_001407102.1 and 2 more transcripts); c.*193A>G (NM_001407097.1, NM_001407100.1, NM_001407101.1 and 4 more transcripts); c.296A>G, p.Asp99Gly (NM_001407098.1); c.203A>G, p.Asp68Gly (NM_001407111.1, NM_001407112.1); c.144+17153A>G (NM_001271069.2); and 1 more; short protein forms D72G, D68G, D126G, D135G, D99G.
Identifiers: ClinVar variation 4827580 (VCV004827580.1).

ClinVar aggregate classification (germline): Uncertain significance (1 of 4 stars; one submission).

Conditions:
Hereditary cancer-predisposing syndrome. Also called: Neoplastic Syndromes, Hereditary; Tumor predisposition; Hereditary Cancer Syndrome; Hereditary neoplastic syndrome. Identifiers: Orphanet 140162, MedGen C0027672, MeSH D009386, MONDO:0015356.

Submission:

Ambry Genetics
Classification: Uncertain significance for Hereditary cancer-predisposing syndrome. Last evaluated: 2026-02-23. Review status: criteria provided, single submitter. Criteria: Ambry Variant Classification Scheme 2023. Collection method: clinical testing. Allele origin: germline.
Comment: The p.D135G variant (also known as c.404A>G), located in coding exon 5 of the MAX gene, results from an A to G substitution at nucleotide position 404. The aspartic acid at codon 135 is replaced by glycine, an amino acid with similar properties. This amino acid position is conserved. In addition, this alteration is predicted to be deleterious by in silico analysis. Based on the available evidence, the clinical significance of this variant remains unclear.